The following is an entry in ClinVar:

NM_001360.3(DHCR7):c.370G>A (p.Gly124Ser)

Gene: DHCR7 (7-dehydrocholesterol reductase; minus strand). Cytogenetic location: 11q13.4.
Variant type: single nucleotide variant.
Coding change: c.370G>A on transcript NM_001360.3 (MANE Select); coding-DNA position 370, G replaced by A.
Protein change: p.Gly124Ser; replaces glycine 124 with serine.
Molecular consequence: missense variant.
Genome position (GRCh38, 1-based): chr11:71,442,305, C>T on the plus strand (G>A on the coding strand, the complement: DHCR7 is on the minus strand). VCF-style: chr11-71442305-C-T. GRCh37 (hg19) VCF-style: chr11-71153351-C-T.
Other names: c.370G>A, p.Gly124Ser (NM_001425120.1, NM_001425121.1, NM_001425109.1 and 7 more transcripts); c.310G>A, p.Gly104Ser (NM_001425113.1); c.274G>A, p.Gly92Ser (NM_001425114.1, NM_001425116.1); c.196G>A, p.Gly66Ser (NM_001425117.1); c.406G>A, p.Gly136Ser (NM_001425108.1); short protein forms G104S, G124S, G136S, G66S, G92S.
Identifiers: ClinVar variation 5019288 (VCV005019288.2).
Genomic context (GRCh38, chr11:71,442,305, plus strand): 5'-TGGAAGGGAGGAGGCTACCTGCAGGAGTCACGGCCCCCTCCTGGATGCCTCCTACGTAGC[C>T]GGGTAGAAACTTATGGCAGAAGTCAGGGAGAGACGTGTACAGAAGCACCTGAAACACACA-3'
Protein context (NP_001351.2, residues 114-134): LPDFCHKFLP[Gly124Ser]YVGGIQEGAV

ClinVar aggregate classification (germline): Uncertain significance (1 of 4 stars; one submission).

Conditions:
Smith-Lemli-Opitz syndrome (SLOS). Also called: LETHAL ACRODYSGENITAL SYNDROME; POLYDACTYLY, SEX REVERSAL, RENAL HYPOPLASIA, AND UNILOBAR LUNG; RSH SYNDROME; RUTLEDGE LETHAL MULTIPLE CONGENITAL ANOMALY SYNDROME; 7-Dehydrocholesterol reductase deficiency. Identifiers: Orphanet 818, MedGen C0175694, MONDO:0010035, OMIM 270400.

gnomAD v4.1: 31 of 1,613,760 alleles (0.0019%); highest among the groups gnomAD compares: Non-Finnish European, 0.0025%; no homozygotes.

Submission:

Juno Genomics, Hangzhou Juno Genomics, Inc
Classification: Uncertain significance for Smith-Lemli-Opitz syndrome. Review status: criteria provided, single submitter. Criteria: ACMG Guidelines, 2015. Collection method: clinical testing. Allele origin: germline.
Comment: Absent from controls (or at extremely low frequency if recessive) in Genome Aggregation Database.;Multiple lines of computational evidence support a deleterious effect on the gene or gene product.